The following is an entry in ClinVar:

NM_001458.5(FLNC):c.6753dup (p.Ala2252fs)

Genes: FLNC (filamin C; plus strand), FLNC-AS1 (FLNC antisense RNA 1; minus strand). Cytogenetic location: 7q32.1.
Variant type: Duplication.
Coding change: c.6753dup on transcript NM_001458.5 (MANE Select); coding-DNA position 6753, one base duplicated (T; older notation c.6753dupT).
Protein change: p.Ala2252fs; shifts the reading frame from alanine 2252.
Molecular consequence: frameshift variant.
Genome position (GRCh38, 1-based): chr7:128,854,438, T duplicated. VCF-style (leftmost placement, unchanged base first): chr7-128854437-C-CT. GRCh37 (hg19) VCF-style: chr7-128494491-C-CT.
Other names: c.6654dup, p.Ala2219fs (NM_001127487.2); short protein forms A2219fs, A2252fs.
Identifiers: ClinVar variation 837501 (VCV000837501.9), dbSNP rs1808965674, ClinGen allele CA916082323.

ClinVar aggregate classification (germline): Pathogenic (1 of 4 stars; one submission).

Conditions:
Myofibrillar myopathy 5. Also called: Filaminopathy (type); FILAMINOPATHY, AUTOSOMAL DOMINANT. Identifiers: Orphanet 171445, MedGen C1836050, MONDO:0012289, OMIM 609524.
Hypertrophic cardiomyopathy 26. Also called: Cardiomyopathy, familial hypertrophic, 26. Identifiers: Orphanet 75249, MedGen C4310749, MONDO:0014883, OMIM 617047.
Distal myopathy with posterior leg and anterior hand involvement. Also called: WILLIAMS DISTAL MYOPATHY. Identifiers: Orphanet 63273, MedGen C3279722, MONDO:0013550, OMIM 614065.

Submission:

Labcorp Genetics (formerly Invitae), Labcorp
Classification: Pathogenic for Distal myopathy with posterior leg and anterior hand involvement; Myofibrillar myopathy 5; Hypertrophic cardiomyopathy 26. Last evaluated: 2020-03-14. Review status: criteria provided, single submitter. Criteria: Invitae Variant Classification Sherloc (09022015). Collection method: clinical testing. Allele origin: germline.
Comment: For these reasons, this variant has been classified as Pathogenic. Loss-of-function variants in FLNC are known to be pathogenic (PMID: 27908349). This variant has not been reported in the literature in individuals with FLNC-related conditions. This variant is not present in population databases (ExAC no frequency). This sequence change creates a premature translational stop signal (p.Ala2252Cysfs*60) in the FLNC gene. It is expected to result in an absent or disrupted protein product.

Literature cited by the submitters: PubMed 27908349.